The following is an entry in ClinVar:

ClinVar aggregate classification (germline): Uncertain significance. Review status: criteria provided, multiple submitters, no conflicts (2 of 4 stars). 5 submissions from 5 submitters: Uncertain significance (5). Last evaluated 2026-04-03.

Conditions:
Glycogen storage disease, type V (GSD5). Also called: MCARDLE DISEASE; MUSCLE GLYCOGEN PHOSPHORYLASE DEFICIENCY; MYOPHOSPHORYLASE DEFICIENCY; PYGM DEFICIENCY; McArdle type glycogen storage disease. Identifiers: Orphanet 368, MedGen C0017924, MONDO:0009293, OMIM 232600.
Inborn genetic diseases. Identifiers: MedGen C0950123, MeSH D030342.

Allele frequency attached by ClinVar (database versions not stated): gnomAD exomes 0.00001; TOPMed 0.00003; ExAC 0.00004; 1000 Genomes Project 0.00020; 1000 Genomes Project 30x 0.00016; ESP Exome Variant Server 0.00008.
gnomAD v4.1: 26 of 1,608,568 alleles (0.0016%); highest among the groups gnomAD compares: Middle Eastern, 0.033%; no homozygotes.

Submissions (5):

GeneDx
Classification: Uncertain significance. Last evaluated: 2026-04-03. Review status: criteria provided, single submitter. Criteria: GeneDx Variant Classification Process June 2021. Collection method: clinical testing. Allele origin: germline.
Comment: Not observed at significant frequency in large population cohorts (gnomAD); In silico analysis suggests that this missense variant does not alter protein structure/function; Has not been previously published as pathogenic or benign to our knowledge

Ambry Genetics
Classification: Uncertain significance for Inborn genetic diseases. Last evaluated: 2025-04-08. Review status: criteria provided, single submitter. Criteria: Ambry Variant Classification Scheme 2023. Collection method: clinical testing. Allele origin: germline.

Revvity Omics, Revvity
Classification: Uncertain significance for Glycogen storage disease, type V. Last evaluated: 2025-01-31. Review status: criteria provided, single submitter. Criteria: ACMG Guidelines, 2015. Collection method: clinical testing. Allele origin: germline.

Labcorp Genetics (formerly Invitae), Labcorp
Classification: Uncertain significance for Glycogen storage disease, type V. Last evaluated: 2025-01-05. Review status: criteria provided, single submitter. Criteria: Invitae Variant Classification Sherloc (09022015). Collection method: clinical testing. Allele origin: germline.
Comment: This sequence change replaces alanine, which is neutral and non-polar, with threonine, which is neutral and polar, at codon 436 of the PYGM protein (p.Ala436Thr). The frequency data for this variant in the population databases is considered unreliable, as metrics indicate poor data quality at this position in the gnomAD database. This variant has not been reported in the literature in individuals affected with PYGM-related conditions. ClinVar contains an entry for this variant (Variation ID: 2145899). Invitae Evidence Modeling of protein sequence and biophysical properties (such as structural, functional, and spatial information, amino acid conservation, physicochemical variation, residue mobility, and thermodynamic stability) indicates that this missense variant is not expected to disrupt PYGM protein function with a negative predictive value of 95%. In summary, the available evidence is currently insufficient to determine the role of this variant in disease. Therefore, it has been classified as a Variant of Uncertain Significance.

Fulgent Genetics
Classification: Uncertain significance for Glycogen storage disease, type V. Last evaluated: 2024-05-14. Review status: criteria provided, single submitter. Criteria: ACMG Guidelines, 2015. Collection method: clinical testing. Allele origin: germline.

NM_005609.4(PYGM):c.1306G>A (p.Ala436Thr)

Gene: PYGM (glycogen phosphorylase, muscle associated; minus strand). Cytogenetic location: 11q13.1.
Variant type: single nucleotide variant.
Coding change: c.1306G>A on transcript NM_005609.4 (MANE Select); coding-DNA position 1306, G replaced by A.
Protein change: p.Ala436Thr; replaces alanine 436 with threonine.
Molecular consequence: missense variant.
Genome position (GRCh38, 1-based): chr11:64,753,616, C>T on the plus strand (G>A on the coding strand, the complement: PYGM is on the minus strand). VCF-style: chr11-64753616-C-T. GRCh37 (hg19) VCF-style: chr11-64521088-C-T.
Other names: c.1042G>A, p.Ala348Thr (NM_001164716.1); c.1306G>A (NM_005609.2); short protein forms A436T, A348T.
Identifiers: ClinVar variation 2145899 (VCV002145899.8), dbSNP rs199728804, ClinGen allele CA6079918.